The following is an entry in ClinVar:

ClinVar aggregate classification (germline): Pathogenic (1 of 4 stars; one submission).

Submission:

GeneDx
Classification: Pathogenic. Last evaluated: 2019-01-02. Review status: criteria provided, single submitter. Criteria: GeneDx Variant Classification (06012015). Collection method: clinical testing. Allele origin: germline. Affected: yes.
Comment: The c.1616delC variant in the KMT2D gene has not been reported previously as a pathogenic variant nor as a benign variant, to our knowledge. The c.1616delC variant causes a frameshift starting with codon Proline 539, changes this amino acid to a Histidine residue, and creates a premature Stop codon at position 391 of the new reading frame, denoted p.Pro539HisfsX391. This variant is predicted to cause loss of normal protein function either through protein truncation or nonsense-mediated mRNA decay. The c.1616delC variant is not observed in large population cohorts (Lek et al., 2016). We interpret c.1616delC as a pathogenic variant.

NM_003482.4(KMT2D):c.1616del (p.Pro539fs)

Gene: KMT2D (lysine methyltransferase 2D; minus strand). Cytogenetic location: 12q13.12.
Variant type: Deletion.
Coding change: c.1616del on transcript NM_003482.4 (MANE Select); coding-DNA position 1616, one base deleted (C; older notation c.1616delC).
Protein change: p.Pro539fs; shifts the reading frame from proline 539.
Molecular consequence: frameshift variant.
Genome position (GRCh38, 1-based): chr12:49,052,067, G deleted on the plus strand (C on the coding strand, the reverse complement: KMT2D is on the minus strand); the first of 2 consecutive G bases (chr12:49,052,067-49,052,068); deleting either gives the same sequence. VCF-style (leftmost placement, unchanged base first): chr12-49052066-TG-T. GRCh37 (hg19) VCF-style: chr12-49445849-TG-T.
Other names: short protein forms P539fs.
Identifiers: ClinVar variation 817953 (VCV000817953.1), dbSNP rs1592157134, ClinGen allele CA915948537.